The following is an entry in ClinVar:

NM_001370259.2(MEN1):c.41G>A (p.Arg14His)

Gene: MEN1 (menin 1; minus strand). Cytogenetic location: 11q13.1.
Variant type: single nucleotide variant.
Coding change: c.41G>A on transcript NM_001370259.2 (MANE Select); coding-DNA position 41, G replaced by A.
Protein change: p.Arg14His; replaces arginine 14 with histidine.
Molecular consequence: missense variant. On other transcripts: non-coding transcript variant (4).
Genome position (GRCh38, 1-based): chr11:64,810,069, C>T on the plus strand (G>A on the coding strand, the complement: MEN1 is on the minus strand). VCF-style: chr11-64810069-C-T. GRCh37 (hg19) VCF-style: chr11-64577541-C-T.
Other names: c.41G>A, p.Arg14His (NM_001407142.1, NM_001407143.1, NM_001407144.1 and 20 more transcripts); short protein forms R14H.
Identifiers: ClinVar variation 3387027 (VCV003387027.3).

ClinVar aggregate classification (germline): Uncertain significance. Review status: criteria provided, multiple submitters, no conflicts (2 of 4 stars). 2 submissions from 2 submitters: Uncertain significance (2). Last evaluated 2024-10-16.

Conditions:
Multiple endocrine neoplasia, type 1 (MEN1). Also called: MEN I; WERMER SYNDROME; Endocrine adenomatosis multiple; MEN 1; MEA I. Identifiers: Orphanet 652, MedGen C0025267, MeSH D018761, MONDO:0007540, OMIM 131100.

Submissions (2):

Labcorp Genetics (formerly Invitae), Labcorp
Classification: Uncertain significance for Multiple endocrine neoplasia, type 1. Last evaluated: 2024-10-16. Review status: criteria provided, single submitter. Criteria: Invitae Variant Classification Sherloc (09022015). Collection method: clinical testing. Allele origin: germline.
Comment: This sequence change replaces arginine, which is basic and polar, with histidine, which is basic and polar, at codon 14 of the MEN1 protein (p.Arg14His). This variant is not present in population databases (gnomAD no frequency). This variant has not been reported in the literature in individuals affected with MEN1-related conditions. Invitae Evidence Modeling of protein sequence and biophysical properties (such as structural, functional, and spatial information, amino acid conservation, physicochemical variation, residue mobility, and thermodynamic stability) indicates that this missense variant is expected to disrupt MEN1 protein function with a positive predictive value of 80%. In summary, the available evidence is currently insufficient to determine the role of this variant in disease. Therefore, it has been classified as a Variant of Uncertain Significance.

All of Us Research Program, National Institutes of Health
Classification: Uncertain significance for Multiple endocrine neoplasia, type 1. Last evaluated: 2024-07-10. Review status: criteria provided, single submitter. Criteria: ACMG Guidelines, 2015. Collection method: clinical testing. Allele origin: germline. Inheritance: Autosomal dominant inheritance. Observed: 1 variant allele, 1 heterozygote.
Comment: This missense variant replaces arginine with histidine at codon 14 of the MEN1 protein. Computational prediction suggests that this variant may have deleterious impact on protein structure and function (internally defined REVEL score threshold >= 0.7, PMID: 27666373). To our knowledge, functional studies have not been reported for this variant. This variant has not been reported in individuals affected with MEN1-related disorders in the literature. This variant has not been identified in the general population by the Genome Aggregation Database (gnomAD). The available evidence is insufficient to determine the role of this variant in disease conclusively. Therefore, this variant is classified as a Variant of Uncertain Significance.

This study involves interpretation of variants in research participants for the purpose of population health screening. Participant phenotype was not available at the time of variant classification. Additional details can be found in publication PMID: 35346344, PMCID: PMC8962531